The following is an entry in ClinVar:

ClinVar aggregate classification (germline): Uncertain significance (1 of 4 stars; one submission).

Conditions:
Hereditary breast ovarian cancer syndrome. Also called: Hereditary breast and/or ovarian cancer syndrome; BRCA1- and BRCA2-Associated Hereditary Breast and Ovarian Cancer; Hereditary breast and ovarian cancer syndrome; Hereditary breast and ovarian cancer; Hereditary breast and ovarian cancer syndrome (HBOC); Breast and ovarian cancer. Identifiers: Orphanet 145, MedGen C0677776, MeSH D061325, MONDO:0003582. Disease mechanism: loss of function.

Submissions (2):

Labcorp Genetics (formerly Invitae), Labcorp
Classification: Uncertain significance for Hereditary breast ovarian cancer syndrome. Last evaluated: 2023-07-29. Review status: criteria provided, single submitter. Criteria: Invitae Variant Classification Sherloc (09022015). Collection method: clinical testing. Allele origin: germline.
Comment: This sequence change replaces leucine, which is neutral and non-polar, with proline, which is neutral and non-polar, at codon 86 of the BRCA1 protein (p.Leu86Pro). This variant is not present in population databases (gnomAD no frequency). This variant has not been reported in the literature in individuals affected with BRCA1-related conditions. ClinVar contains an entry for this variant (Variation ID: 865339). Advanced modeling performed at Invitae incorporating data from internal and/or published experimental studies (PMID: 30209399) indicates that this missense variant is expected to disrupt BRCA1 function. Experimental studies have shown that this missense change affects BRCA1 function (PMID: 30209399). In summary, the available evidence is currently insufficient to determine the role of this variant in disease. Therefore, it has been classified as a Variant of Uncertain Significance.

Brotman Baty Institute, University of Washington
No classification provided (evidence only). Condition: Breast-ovarian cancer, familial 1. Review status: no classification provided. Collection method: in vitro. Allele origin: not applicable. Functional consequence: functionally_abnormal. Not counted in ClinVar's aggregate classification.
ClinVar note: "not provided" was previously submitted as the classification for the variant. However, the classification appeared to be based only on an observation of functional data so it was converted to no classification on 2025-07-30.

Literature cited by the submitters: PubMed 30209399 (cited by Labcorp Genetics (formerly Invitae), Labcorp).

NM_007294.4(BRCA1):c.257T>C (p.Leu86Pro)

Gene: BRCA1 (BRCA1 DNA repair associated; minus strand). Cytogenetic location: 17q21.31.
Variant type: single nucleotide variant.
Coding change: c.257T>C on transcript NM_007294.4 (MANE Select); coding-DNA position 257, T replaced by C.
Protein change: p.Leu86Pro; replaces leucine 86 with proline.
Molecular consequence: missense variant. On other transcripts: non-coding transcript variant (1).
Genome position (GRCh38, 1-based): chr17:43,104,912, A>G on the plus strand (T>C on the coding strand, the complement: BRCA1 is on the minus strand). VCF-style: chr17-43104912-A-G. GRCh37 (hg19) VCF-style: chr17-41256929-A-G.
Other names: c.47T>C, p.Leu16Pro (NM_001407571.1, NM_001407853.1, NM_001407879.1 and 58 more transcripts); c.257T>C, p.Leu86Pro (NM_001407581.1, NM_001407582.1, NM_001407583.1 and 168 more transcripts); c.179T>C, p.Leu60Pro (NM_001407653.1, NM_001407654.1, NM_001407655.1 and 21 more transcripts); c.116T>C, p.Leu39Pro (NM_001407692.1, NM_001407694.1, NM_001407695.1 and 99 more transcripts); c.-125T>C (NM_001407959.1, NM_001407960.1, NM_001407962.1 and 4 more transcripts); c.125T>C, p.Leu42Pro (NM_001408451.1); short protein forms L39P, L86P, L60P, L16P, L42P.
Identifiers: ClinVar variation 865339 (VCV000865339.6), dbSNP rs2054683731, ClinGen allele CA10601640.